The following is an entry in ClinVar:

ClinVar aggregate classification (germline): Uncertain significance (1 of 4 stars; one submission).

Conditions:
Pyridoxine-dependent epilepsy (EPEO4). Also called: Pyridoxine-Dependent Epilepsy - ALDH7A1; PYRIDOXINE DEPENDENCY WITH SEIZURES; EPILEPSY, EARLY-ONSET, 4, VITAMIN B6-DEPENDENT; Pyridoxine-Dependent Seizures. Identifiers: Orphanet 3006, MedGen C1849508, MONDO:0009945, OMIM 266100. Disease mechanism: loss of function.

Allele frequency attached by ClinVar (database versions not stated): TOPMed below 0.00001.
gnomAD v4.1: 1 of 1,613,690 alleles (0.000062%); highest among the groups gnomAD compares: Non-Finnish European, 0.000085%; no homozygotes.

Submission:

Labcorp Genetics (formerly Invitae), Labcorp
Classification: Uncertain significance for Pyridoxine-dependent epilepsy. Last evaluated: 2021-10-05. Review status: criteria provided, single submitter. Criteria: Invitae Variant Classification Sherloc (09022015). Collection method: clinical testing. Allele origin: germline.
Comment: This sequence change replaces serine with cysteine at codon 133 of the ALDH7A1 protein (p.Ser133Cys). The serine residue is highly conserved and there is a moderate physicochemical difference between serine and cysteine. This variant is not present in population databases (ExAC no frequency). This variant has not been reported in the literature in individuals affected with ALDH7A1-related conditions. Advanced modeling of protein sequence and biophysical properties (such as structural, functional, and spatial information, amino acid conservation, physicochemical variation, residue mobility, and thermodynamic stability) performed at Invitae indicates that this missense variant is expected to disrupt ALDH7A1 protein function. In summary, the available evidence is currently insufficient to determine the role of this variant in disease. Therefore, it has been classified as a Variant of Uncertain Significance.

NM_001182.5(ALDH7A1):c.398C>G (p.Ser133Cys)

Gene: ALDH7A1 (aldehyde dehydrogenase 7 family member A1; minus strand). Cytogenetic location: 5q23.2.
Variant type: single nucleotide variant.
Coding change: c.398C>G on transcript NM_001182.5 (MANE Select); coding-DNA position 398, C replaced by G.
Protein change: p.Ser133Cys; replaces serine 133 with cysteine.
Molecular consequence: missense variant.
Genome position (GRCh38, 1-based): chr5:126,582,970, G>C on the plus strand (C>G on the coding strand, the complement: ALDH7A1 is on the minus strand). VCF-style: chr5-126582970-G-C. GRCh37 (hg19) VCF-style: chr5-125918662-G-C.
Other names: c.314C>G, p.Ser105Cys (NM_001201377.2); c.398C>G, p.Ser133Cys (NM_001202404.2); short protein forms S105C, S133C.
Identifiers: ClinVar variation 1442345 (VCV001442345.3), dbSNP rs1295063805, ClinGen allele CA360731956.
Genomic context (GRCh38, chr5:126,582,970, plus strand): 5'-ATATCCACATACTCCTGAACTTCACCCACACCTTCCACTAAGATTTTCCCCATCTCCAAA[G>C]ACACCTAGAAATATAAAACGACAAGCAGAATTTTTCCAACAGAATTCACATTATAAACAT-3'
Protein context (NP_001173.2, residues 123-143): EKIQVLGSLV[Ser133Cys]LEMGKILVEG